The following is an entry in ClinVar:

NM_000216.4(ANOS1):c.318+10del

Gene: ANOS1 (anosmin 1; minus strand). Cytogenetic location: Xp22.31.
Variant type: Deletion.
Coding change: c.318+10del on transcript NM_000216.4 (MANE Select); 10 bases into the intron after coding-DNA position 318, one base deleted (C; older notation c.318+10delC).
Molecular consequence: intron variant.
Genome position (GRCh38, 1-based): chrX:8,623,598, G deleted on the plus strand (C on the coding strand, the reverse complement: ANOS1 is on the minus strand). VCF-style (leftmost placement, unchanged base first): chrX-8623597-CG-C. GRCh37 (hg19) VCF-style: chrX-8591638-CG-C.
Identifiers: ClinVar variation 3029730 (VCV003029730.2), dbSNP rs1569066465, ClinGen allele CA640552599.

ClinVar aggregate classification (germline): Likely benign (0 of 4 stars; one submission).

Conditions:
ANOS1-related disorder. Also called: ANOS1-related condition.

Allele frequency attached by ClinVar (database versions not stated): gnomAD exomes below 0.00001; gnomAD 0.00001.

Submission:

PreventionGenetics, part of Exact Sciences
Classification: Likely benign for ANOS1-related condition. Last evaluated: 2021-05-19. Review status: no assertion criteria provided. Collection method: clinical testing. Allele origin: germline.
Comment: This variant is classified as likely benign based on ACMG/AMP sequence variant interpretation guidelines (Richards et al. 2015 PMID: 25741868, with internal and published modifications).